The following is an entry in ClinVar:

ClinVar aggregate classification (germline): Uncertain significance. Review status: criteria provided, multiple submitters, no conflicts (2 of 4 stars). 2 submissions from 2 submitters: Uncertain significance (2). Last evaluated 2024-12-04.

Conditions:
Neuronopathy, distal hereditary motor, autosomal recessive 4. Also called: Autosomal recessive lower motor neuron disease with childhood onset; NEUROPATHY, DISTAL HEREDITARY MOTOR, AUTOSOMAL RECESSIVE 4. Identifiers: Orphanet 206580, MedGen C1970211, MONDO:0012608, OMIM 611067.
Charcot-Marie-Tooth disease recessive intermediate C. Also called: CHARCOT-MARIE-TOOTH NEUROPATHY, RECESSIVE INTERMEDIATE C. Identifiers: Orphanet 369867, MedGen C3809309, MONDO:0014154, OMIM 615376.

Allele frequency attached by ClinVar (database versions not stated): gnomAD 0.00001 and 0.00002; TOPMed 0.00002.
gnomAD v4.1: 14 of 1,609,438 alleles (0.00087%); highest among the groups gnomAD compares: African/African-American, 0.0027%; no homozygotes.

Submissions (2):

GeneDx
Classification: Uncertain significance. Last evaluated: 2024-12-04. Review status: criteria provided, single submitter. Criteria: GeneDx Variant Classification Process June 2021. Collection method: clinical testing. Allele origin: germline. Affected: yes.
Comment: Not observed at significant frequency in large population cohorts (gnomAD); In silico analysis indicates that this missense variant does not alter protein structure/function; Has not been previously published as pathogenic or benign to our knowledge

Labcorp Genetics (formerly Invitae), Labcorp
Classification: Uncertain significance for Neuronopathy, distal hereditary motor, autosomal recessive 4; Charcot-Marie-Tooth disease recessive intermediate C. Last evaluated: 2021-08-28. Review status: criteria provided, single submitter. Criteria: Invitae Variant Classification Sherloc (09022015). Collection method: clinical testing. Allele origin: germline.
Comment: This sequence change replaces arginine with tryptophan at codon 842 of the PLEKHG5 protein (p.Arg842Trp). The arginine residue is weakly conserved and there is a moderate physicochemical difference between arginine and tryptophan. This variant is not present in population databases (ExAC no frequency). This variant has not been reported in the literature in individuals affected with PLEKHG5-related conditions. Algorithms developed to predict the effect of missense changes on protein structure and function are either unavailable or do not agree on the potential impact of this missense change (SIFT: "Deleterious"; PolyPhen-2: "Benign"; Align-GVGD: "Class C0"). In summary, the available evidence is currently insufficient to determine the role of this variant in disease. Therefore, it has been classified as a Variant of Uncertain Significance.

NM_020631.6(PLEKHG5):c.2524C>T (p.Arg842Trp)

Gene: PLEKHG5 (pleckstrin homology and RhoGEF domain containing G5; minus strand). Cytogenetic location: 1p36.31.
Variant type: single nucleotide variant.
Coding change: c.2524C>T on transcript NM_020631.6 (MANE Select); coding-DNA position 2524, C replaced by T.
Protein change: p.Arg842Trp; replaces arginine 842 with tryptophan.
Molecular consequence: missense variant.
Genome position (GRCh38, 1-based): chr1:6,468,312, G>A on the plus strand (C>T on the coding strand, the complement: PLEKHG5 is on the minus strand). VCF-style: chr1-6468312-G-A. GRCh37 (hg19) VCF-style: chr1-6528372-G-A.
Other names: c.2635C>T, p.Arg879Trp (NM_001042663.3, NM_001265592.2); c.2524C>T, p.Arg842Trp (NM_001042664.2, NM_001042665.2, NM_001265594.3 and 1 more transcripts); c.2731C>T, p.Arg911Trp (NM_001265593.2); short protein forms R842W, R911W, R879W.
Identifiers: ClinVar variation 580576 (VCV000580576.7), dbSNP rs770870023, ClinGen allele CA17233931.